The following is an entry in ClinVar:

ClinVar aggregate classification (germline): Conflicting classifications of pathogenicity. Review status: criteria provided, conflicting classifications (1 of 4 stars). 2 submissions from 2 submitters: Pathogenic (1); Uncertain significance (1). Last evaluated 2025-10-21.

Allele frequency attached by ClinVar (database versions not stated): ExAC 0.00001; gnomAD exomes 0.00001; gnomAD 0.00001; ESP Exome Variant Server 0.00008.

Submissions (2):

Labcorp Genetics (formerly Invitae), Labcorp
Classification: Pathogenic. Last evaluated: 2025-10-21. Review status: criteria provided, single submitter. Criteria: Invitae Variant Classification Sherloc (09022015). Collection method: clinical testing. Allele origin: germline.
Comment: This sequence change creates a premature translational stop signal (p.Arg280*) in the WDR73 gene. While this is not anticipated to result in nonsense mediated decay, it is expected to disrupt the last 99 amino acid(s) of the WDR73 protein. This variant is present in population databases (rs372259283, gnomAD 0.004%). This variant has not been reported in the literature in individuals affected with WDR73-related conditions. ClinVar contains an entry for this variant (Variation ID: 1302921). Algorithms developed to predict the effect of sequence changes on RNA splicing suggest that this variant may disrupt the consensus splice site. This variant disrupts a region of the WDR73 protein in which other variant(s) (p.Phe296Leufs*26) have been determined to be pathogenic (PMID: 26070982). This suggests that this is a clinically significant region of the protein, and that variants that disrupt it are likely to be disease-causing. For these reasons, this variant has been classified as Pathogenic.

GeneDx
Classification: Uncertain significance. Last evaluated: 2019-05-30. Review status: criteria provided, single submitter. Criteria: GeneDx Variant Classification Process June 2021. Collection method: clinical testing. Allele origin: germline. Affected: yes.
Comment: Nonsense variant in the C-terminus predicted to result in protein truncation, as the last 99 amino acids are lost, and other loss-of-function variants have been reported downstream in the Human Gene Mutation Database (Stenson et al., 2014); Has not been previously published as pathogenic or benign to our knowledge

Literature cited by the submitters: PubMed 26070982 (cited by Labcorp Genetics (formerly Invitae), Labcorp).

NM_032856.5(WDR73):c.838C>T (p.Arg280Ter)

Gene: WDR73 (WD repeat domain 73; minus strand). Cytogenetic location: 15q25.2.
Variant type: single nucleotide variant.
Coding change: c.838C>T on transcript NM_032856.5 (MANE Select); coding-DNA position 838, C replaced by T.
Protein change: p.Arg280Ter; replaces arginine 280 with a stop codon.
Molecular consequence: nonsense. On other transcripts: non-coding transcript variant (4).
Genome position (GRCh38, 1-based): chr15:84,645,516, G>A on the plus strand (C>T on the coding strand, the complement: WDR73 is on the minus strand). VCF-style: chr15-84645516-G-A. GRCh37 (hg19) VCF-style: chr15-85188747-G-A.
Other names: short protein forms R280*.
Identifiers: ClinVar variation 1302921 (VCV001302921.3), dbSNP rs372259283, ClinGen allele CA7707245.
Genomic context (GRCh38, chr15:84,645,516, plus strand): 5'-CCTGCTCGGCAGTACCTGAGATGGCCAAGCAATTCTTCAGGCCTGGGGCCCAAGTCACTC[G>A]CAGCAGCTCTGGGTCAGGGCTAGGTACGGATACTGGGCACTGGACTGAGCTCACAGGATG-3'